The following is an entry in ClinVar:

NM_002609.4(PDGFRB):c.1035G>A (p.Pro345=)

Gene: PDGFRB (platelet derived growth factor receptor beta; minus strand). Cytogenetic location: 5q32.
Variant type: single nucleotide variant.
Coding change: c.1035G>A on transcript NM_002609.4 (MANE Select); coding-DNA position 1035, G replaced by A.
Protein change: p.Pro345=; no amino-acid change (proline 345 retained).
Molecular consequence: synonymous variant.
Genome position (GRCh38, 1-based): chr5:150,132,842, C>T on the plus strand (G>A on the coding strand, the complement: PDGFRB is on the minus strand). VCF-style: chr5-150132842-C-T. GRCh37 (hg19) VCF-style: chr5-149512405-C-T.
Other names: c.843G>A, p.Pro281= (NM_001355016.2); c.552G>A, p.Pro184= (NM_001355017.2).
Identifiers: ClinVar variation 719190 (VCV000719190.4), dbSNP rs55889271, ClinGen allele CA3508124.

ClinVar aggregate classification (germline): Likely benign. Review status: criteria provided, multiple submitters, no conflicts (2 of 4 stars). 2 submissions from 2 submitters: Likely benign (2). Last evaluated 2024-12-17.

Conditions:
PDGFRB-related disorder. Also called: PDGFRB-related condition.

Allele frequency attached by ClinVar (database versions not stated): TOPMed 0.00001; ExAC 0.00002; gnomAD 0.00003; gnomAD exomes 0.00003.
gnomAD v4.1: 59 of 1,610,122 alleles (0.0037%); highest among the groups gnomAD compares: South Asian, 0.0078%; no homozygotes.

Submissions (2):

PreventionGenetics, part of Exact Sciences
Classification: Likely benign for PDGFRB-related condition. Last evaluated: 2024-12-17. Review status: criteria provided, single submitter. Criteria: ACMG Guidelines, 2015. Collection method: clinical testing. Allele origin: germline.
Comment: This variant is classified as likely benign based on ACMG/AMP sequence variant interpretation guidelines (Richards et al. 2015 PMID: 25741868, with internal and published modifications).

Labcorp Genetics (formerly Invitae), Labcorp
Classification: Likely benign. Last evaluated: 2018-07-25. Review status: criteria provided, single submitter. Criteria: Invitae Variant Classification Sherloc (09022015). Collection method: clinical testing. Allele origin: germline.